The following is an entry in ClinVar:

ClinVar aggregate classification (germline): Uncertain significance. Review status: criteria provided, multiple submitters, no conflicts (2 of 4 stars). 3 submissions from 3 submitters: Uncertain significance (2). 1 of the submissions does not count toward it. Last evaluated 2025-09-15.

Conditions:
Charlevoix-Saguenay spastic ataxia (SACS). Also called: SPASTIC ATAXIA 6, AUTOSOMAL RECESSIVE; AUTOSOMAL RECESSIVE SPASTIC ATAXIA OF CHARLEVOIX-SAGUENAY; Spastic ataxia of Charlevoix-Saguenay. Identifiers: Orphanet 98, MedGen C1849140, MONDO:0010041, OMIM 270550.

gnomAD v4.1: 4 of 1,614,124 alleles (0.00025%); highest among the groups gnomAD compares: Non-Finnish European, 0.00025%; no homozygotes.

Submissions (3):

Myriad Genetics, Inc.
Classification: Uncertain significance for Charlevoix-Saguenay spastic ataxia. Last evaluated: 2025-09-15. Review status: criteria provided, single submitter. Criteria: Myriad Autosomal Dominant, Autosomal Recessive and X-Linked Classification Criteria (2023). Collection method: clinical testing. Allele origin: unknown.
Comment: NM_014363.4(SACS):c.1109G>A(C370Y) is a missense variant classified as a variant of uncertain significance in the context of autosomal recessive spastic ataxia of Charlevoix-Saguenay. C370Y has not been observed in cases with relevant disease. Relevant functional assessments of this variant are not available in the literature. C370Y has not been observed in referenced population frequency databases. In summary, there is insufficient evidence to classify NM_014363.4(SACS):c.1109G>A(C370Y) as pathogenic or benign. Please note: this variant was assessed in the context of healthy population screening.

Mayo Clinic Laboratories, Mayo Clinic
Classification: Uncertain significance. Last evaluated: 2025-05-07. Review status: criteria provided, single submitter. Criteria: ACMG Guidelines, 2015. Collection method: clinical testing. Allele origin: germline. Observed: 1 variant allele.
Comment: PP3, PM2_supporting

Natera, Inc.
Classification: Uncertain significance for Charlevoix-Saguenay type spastic ataxia. Last evaluated: 2025-03-29. Review status: no assertion criteria provided. Collection method: clinical testing. Allele origin: germline. Not counted in ClinVar's aggregate classification.

Literature cited by the submitters: PubMed 35982159 (cited by Mayo Clinic Laboratories, Mayo Clinic); PubMed 35982160 (cited by Mayo Clinic Laboratories, Mayo Clinic).

NM_014363.6(SACS):c.1109G>A (p.Cys370Tyr)

Gene: SACS (sacsin molecular chaperone; minus strand). Cytogenetic location: 13q12.12.
Variant type: single nucleotide variant.
Coding change: c.1109G>A on transcript NM_014363.6 (MANE Select); coding-DNA position 1109, G replaced by A.
Protein change: p.Cys370Tyr; replaces cysteine 370 with tyrosine.
Molecular consequence: missense variant.
Genome position (GRCh38, 1-based): chr13:23,355,503, C>T on the plus strand (G>A on the coding strand, the complement: SACS is on the minus strand). VCF-style: chr13-23355503-C-T. GRCh37 (hg19) VCF-style: chr13-23929642-C-T.
Other names: p.Cys370Tyr; c.668G>A, p.Cys223Tyr (NM_001278055.2); short protein forms C223Y, C370Y.
Identifiers: ClinVar variation 4061072 (VCV004061072.3).